The following is an entry in ClinVar:

ClinVar aggregate classification (germline): Uncertain significance. Review status: criteria provided, multiple submitters, no conflicts (2 of 4 stars). 2 submissions from 2 submitters: Uncertain significance (2). Last evaluated 2025-09-15.

Conditions:
Developmental and epileptic encephalopathy 94 (DEE94). Also called: Epileptic encephalopathy, childhood-onset; CHD2-Related Neurodevelopmental Disorders. Identifiers: Orphanet 1942, Orphanet 2382, MedGen C3809278, MONDO:0014150, OMIM 615369.
Developmental and epileptic encephalopathy, 1 (DEE1). Also called: INFANTILE SPASM SYNDROME, X-LINKED 1; Epileptic encephalopathy, early infantile, 1; X-linked infantile spasms; West's syndrome; Tonic spasms with clustering, arrest of psychomotor development and hypsarrhythmia on EEG; X-Linked Infantile Spasm Syndrome. Identifiers: MedGen C3463992, MONDO:0010632, OMIM 308350. Disease mechanism: loss of function.

Allele frequency attached by ClinVar (database versions not stated): TOPMed below 0.00001.

Submissions (2):

Labcorp Genetics (formerly Invitae), Labcorp
Classification: Uncertain significance for Developmental and epileptic encephalopathy 94. Last evaluated: 2025-09-15. Review status: criteria provided, single submitter. Criteria: Invitae Variant Classification Sherloc (09022015). Collection method: clinical testing. Allele origin: germline.
Comment: This sequence change replaces lysine, which is basic and polar, with asparagine, which is neutral and polar, at codon 1234 of the CHD2 protein (p.Lys1234Asn). This variant is present in population databases (no rsID available, gnomAD 0.0009%). This variant has not been reported in the literature in individuals affected with CHD2-related conditions. ClinVar contains an entry for this variant (Variation ID: 2578382). Invitae Evidence Modeling of protein sequence and biophysical properties (such as structural, functional, and spatial information, amino acid conservation, physicochemical variation, residue mobility, and thermodynamic stability) indicates that this missense variant is not expected to disrupt CHD2 protein function with a negative predictive value of 95%. In summary, the available evidence is currently insufficient to determine the role of this variant in disease. Therefore, it has been classified as a Variant of Uncertain Significance.

GeneDx
Classification: Uncertain significance. Last evaluated: 2023-03-05. Review status: criteria provided, single submitter. Criteria: GeneDx Variant Classification Process June 2021. Collection method: clinical testing. Allele origin: germline. Affected: yes.
Comment: In silico analysis supports that this missense variant does not alter protein structure/function; Has not been previously published as pathogenic or benign to our knowledge

NM_001271.4(CHD2):c.3702A>C (p.Lys1234Asn)

Gene: CHD2 (chromodomain helicase DNA binding protein 2; plus strand). Cytogenetic location: 15q26.1.
Variant type: single nucleotide variant.
Coding change: c.3702A>C on transcript NM_001271.4 (MANE Select); coding-DNA position 3702, A replaced by C.
Protein change: p.Lys1234Asn; replaces lysine 1234 with asparagine.
Molecular consequence: missense variant.
Genome position (GRCh38, 1-based): chr15:92,997,063, A>C. VCF-style: chr15-92997063-A-C. GRCh37 (hg19) VCF-style: chr15-93540293-A-C.
Other names: short protein forms K1234N.
Identifiers: ClinVar variation 2578382 (VCV002578382.6), dbSNP rs1351861795, ClinGen allele CA393898014.
Genomic context (GRCh38, chr15:92,997,063, plus strand): 5'-AGTTCAGGTTAATGTGAAATCCATTATCCAACATGAAGAGGAGTTTGAGATGCTGCATAA[A>C]TCTATCCCTGTGGACCCTGAAGAAAAAAAAAAGTGAGTATATTTTGTGTACATGCTTAGA-3'
Protein context (NP_001262.3, residues 1224-1244): QHEEEFEMLH[Lys1234Asn]SIPVDPEEKK